The following is an entry in ClinVar:

NM_198253.3(TERT):c.111G>T (p.Arg37=)

Genes: TERT (telomerase reverse transcriptase; minus strand), LOC110806263 (TERT 5' regulatory region; plus strand). Cytogenetic location: 5p15.33.
Variant type: single nucleotide variant.
Coding change: c.111G>T on transcript NM_198253.3 (MANE Select); coding-DNA position 111, G replaced by T.
Protein change: p.Arg37=; no amino-acid change (arginine 37 retained).
Molecular consequence: synonymous variant. On other transcripts: non-coding transcript variant (2).
Genome position (GRCh38, 1-based): chr5:1,294,879, C>A on the plus strand (G>T on the coding strand, the complement: TERT is on the minus strand). VCF-style: chr5-1294879-C-A. GRCh37 (hg19) VCF-style: chr5-1294994-C-A.
Other names: c.111G>T, p.Arg37= (NM_001193376.3, NM_003219.1).
Identifiers: ClinVar variation 1797434 (VCV001797434.21), dbSNP rs1751295827, ClinGen allele CA443005885.

ClinVar aggregate classification (germline): Likely benign. Review status: criteria provided, multiple submitters, no conflicts (2 of 4 stars). 3 submissions from 3 submitters: Likely benign (3). Last evaluated 2024-08-01.

Conditions:
Dyskeratosis congenita. Identifiers: Orphanet 1775, MedGen C0265965, MONDO:0015780.
Dyskeratosis congenita, autosomal dominant 2. Identifiers: MedGen C3151443, MONDO:0013521, OMIM 613989.
Idiopathic Pulmonary Fibrosis. Also called: Idiopathic fibrosing alveolitis, chronic form; idiopathic fibrosing alveolitis. Identifiers: Orphanet 2032, MedGen C1800706, MeSH D054990, MONDO:0800504.

Allele frequency attached by ClinVar (database versions not stated): gnomAD exomes below 0.00001; gnomAD 0.00001.
gnomAD v4.1: 5 of 1,442,414 alleles (0.00035%); highest among the groups gnomAD compares: South Asian, 0.0014%; no homozygotes.

Submissions (3):

CeGaT Center for Human Genetics Tuebingen
Classification: Likely benign. Last evaluated: 2024-08-01. Review status: criteria provided, single submitter. Criteria: CeGaT Center For Human Genetics Tuebingen Variant Classification Criteria Version 2. Collection method: clinical testing. Allele origin: germline. Affected: yes. Observed: 1 variant allele.
Comment: TERT: BP4, BP7

Labcorp Genetics (formerly Invitae), Labcorp
Classification: Likely benign for Dyskeratosis congenita, autosomal dominant 2; Idiopathic Pulmonary Fibrosis. Last evaluated: 2022-10-23. Review status: criteria provided, single submitter. Criteria: Invitae Variant Classification Sherloc (09022015). Collection method: clinical testing. Allele origin: germline.

Ambry Genetics
Classification: Likely benign for Dyskeratosis congenita. Last evaluated: 2022-09-04. Review status: criteria provided, single submitter. Criteria: Ambry Variant Classification Scheme 2023. Collection method: clinical testing. Allele origin: germline.